The following is an entry in ClinVar:

NM_024664.4(PPCS):c.23C>T (p.Ala8Val)

Genes: CCDC30 (coiled-coil domain containing 30; plus strand), PPCS (phosphopantothenoylcysteine synthetase; plus strand). Cytogenetic location: 1p34.2.
Variant type: single nucleotide variant.
Coding change: c.23C>T on transcript NM_024664.4 (MANE Select); coding-DNA position 23, C replaced by T.
Protein change: p.Ala8Val; replaces alanine 8 with valine.
Molecular consequence: missense variant. On other transcripts: 5 prime UTR variant (3), intron variant (4).
Genome position (GRCh38, 1-based): chr1:42,456,588, C>T. VCF-style: chr1-42456588-C-T. GRCh37 (hg19) VCF-style: chr1-42922259-C-T.
Other names: c.-52C>T (NM_001077447.3); c.-148C>T (NM_001287508.2); c.-670C>T (NM_001287510.2); c.23C>T, p.Ala8Val (NM_001287511.2); c.-984+89C>T (NM_001355226.2); c.-328+89C>T (NM_001287507.1); c.-12+89C>T (NM_001287506.1); c.-12+5C>T (NM_001287509.2); short protein forms A8V.
Identifiers: ClinVar variation 2049730 (VCV002049730.4), dbSNP rs1643192356, ClinGen allele CA339943508.

ClinVar aggregate classification (germline): Uncertain significance (1 of 4 stars; one submission).

Allele frequency attached by ClinVar (database versions not stated): TOPMed below 0.00001.
gnomAD v4.1: 3 of 1,498,644 alleles (0.0002%); highest among the groups gnomAD compares: Non-Finnish European, 0.00027%; no homozygotes.

Submission:

Labcorp Genetics (formerly Invitae), Labcorp
Classification: Uncertain significance. Last evaluated: 2022-05-18. Review status: criteria provided, single submitter. Criteria: Invitae Variant Classification Sherloc (09022015). Collection method: clinical testing. Allele origin: germline.
Comment: This variant has not been reported in the literature in individuals affected with PPCS-related conditions. This sequence change replaces alanine, which is neutral and non-polar, with valine, which is neutral and non-polar, at codon 8 of the PPCS protein (p.Ala8Val). This variant is not present in population databases (gnomAD no frequency). Algorithms developed to predict the effect of missense changes on protein structure and function (SIFT, PolyPhen-2, Align-GVGD) all suggest that this variant is likely to be tolerated. In summary, the available evidence is currently insufficient to determine the role of this variant in disease. Therefore, it has been classified as a Variant of Uncertain Significance.